The following is an entry in ClinVar:

ClinVar aggregate classification (germline): Pathogenic/Likely pathogenic. Review status: criteria provided, multiple submitters, no conflicts (2 of 4 stars). 2 submissions from 2 submitters: Pathogenic (1); Likely pathogenic (1). Last evaluated 2025-06-13.

Conditions:
Kabuki syndrome 1 (KABUK1). Also called: KMT2D-Related Kabuki Syndrome. Identifiers: Orphanet 2322, MedGen CN030661, MONDO:0007843, OMIM 147920.

Submissions (2):

GeneDx
Classification: Pathogenic. Last evaluated: 2025-06-13. Review status: criteria provided, single submitter. Criteria: GeneDx Variant Classification Process June 2021. Collection method: clinical testing. Allele origin: germline. Affected: yes.
Comment: Frameshift variant predicted to result in protein truncation or nonsense mediated decay in a gene for which loss of function is a known mechanism of disease; Not observed at significant frequency in large population cohorts (gnomAD); Has not been previously published as pathogenic or benign to our knowledge

Center for Human Genetics, Inc
Classification: Likely pathogenic for Kabuki syndrome 1. Last evaluated: 2016-11-01. Review status: criteria provided, single submitter. Criteria: ACMG Guidelines, 2015. Collection method: clinical testing. Allele origin: germline. Affected: yes.

NM_003482.4(KMT2D):c.6594dup (p.Tyr2199fs)

Gene: KMT2D (lysine methyltransferase 2D; minus strand). Cytogenetic location: 12q13.12.
Variant type: Duplication.
Coding change: c.6594dup on transcript NM_003482.4 (MANE Select); coding-DNA position 6594, one base duplicated (C; older notation c.6594dupC).
Protein change: p.Tyr2199fs; shifts the reading frame from tyrosine 2199.
Molecular consequence: frameshift variant.
Genome position (GRCh38, 1-based): chr12:49,041,176, G duplicated on the plus strand (C on the coding strand, the reverse complement: KMT2D is on the minus strand); the first of 6 consecutive G bases (chr12:49,041,176-49,041,181); duplicating any one gives the same sequence. VCF-style (leftmost placement, unchanged base first): chr12-49041175-A-AG. GRCh37 (hg19) VCF-style: chr12-49434958-A-AG.
Other names: c.6594dupC (NM_003482.3); c.6594dup (NM_003482.3); short protein forms Y2199fs.
Identifiers: ClinVar variation 547435 (VCV000547435.2), dbSNP rs1555192751, ClinGen allele CA658823409.